The following is an entry in ClinVar:

NM_024306.5(FA2H):c.968C>T (p.Pro323Leu)

Gene: FA2H (fatty acid 2-hydroxylase; minus strand). Cytogenetic location: 16q23.1.
Variant type: single nucleotide variant.
Coding change: c.968C>T on transcript NM_024306.5 (MANE Select); coding-DNA position 968, C replaced by T.
Protein change: p.Pro323Leu; replaces proline 323 with leucine.
Molecular consequence: missense variant.
Genome position (GRCh38, 1-based): chr16:74,716,418, G>A on the plus strand (C>T on the coding strand, the complement: FA2H is on the minus strand). VCF-style: chr16-74716418-G-A. GRCh37 (hg19) VCF-style: chr16-74750316-G-A.
Other names: c.968C>T (NM_024306.4); short protein forms P323L.
Identifiers: ClinVar variation 807416 (VCV000807416.7), dbSNP rs774131656, ClinGen allele CA8170342.
Genomic context (GRCh38, chr16:74,716,418, plus strand): 5'-TGTGCAAAGTGGTGCTTGACGTGGTGGGCCTTCAGGCTGTACAGGTAGGAGCCCTTGTGC[G>A]GCGAGCCAAAGTGCAGGTAGTAATGGGTCATGTCATAGAGGACGTAGCCCAGGAGGCCCC-3'
Protein context (NP_077282.3, residues 313-333): MTHYYLHFGS[Pro323Leu]HKGSYLYSLK

ClinVar aggregate classification (germline): Conflicting classifications of pathogenicity. Review status: criteria provided, conflicting classifications (1 of 4 stars). 3 submissions from 3 submitters: Pathogenic (2); Uncertain significance (1). Last evaluated 2024-04-04.

Conditions:
Hereditary spastic paraplegia 35. Also called: LEUKODYSTROPHY, DYSMYELINATING, AND SPASTIC PARAPARESIS WITH OR WITHOUT DYSTONIA; Spastic paraplegia 35; SPASTIC PARAPLEGIA 35, AUTOSOMAL RECESSIVE, WITH OR WITHOUT NEURODEGENERATION; Spastic paraplegia 35, autosomal recessive. Identifiers: Orphanet 171629, MedGen C3496228, MONDO:0012866, OMIM 612319.
Spastic paraplegia. Identifiers: MedGen C0037772, HP:0001258.

Allele frequency attached by ClinVar (database versions not stated): ExAC 0.00001; gnomAD exomes 0.00001; TOPMed 0.00001; gnomAD 0.00003.

Submissions (3):

GeneDx
Classification: Uncertain significance. Last evaluated: 2024-04-04. Review status: criteria provided, single submitter. Criteria: GeneDx Variant Classification Process June 2021. Collection method: clinical testing. Allele origin: germline. Affected: yes.
Comment: Not observed at significant frequency in large population cohorts (gnomAD); In silico analysis supports that this missense variant has a deleterious effect on protein structure/function; This variant is associated with the following publications: (PMID: 24359114, 38275596, 22965561, 31407473, 31135052, 35872528)

Labcorp Genetics (formerly Invitae), Labcorp
Classification: Pathogenic for Spastic paraplegia. Last evaluated: 2023-12-11. Review status: criteria provided, single submitter. Criteria: Invitae Variant Classification Sherloc (09022015). Collection method: clinical testing. Allele origin: germline.
Comment: This sequence change replaces proline, which is neutral and non-polar, with leucine, which is neutral and non-polar, at codon 323 of the FA2H protein (p.Pro323Leu). This variant is present in population databases (rs774131656, gnomAD 0.002%). This missense change has been observed in individual(s) with hereditary spastic paraplegia (PMID: 22965561, 31135052, 31407473, 35872528; Invitae). In at least one individual the data is consistent with being in trans (on the opposite chromosome) from a pathogenic variant. ClinVar contains an entry for this variant (Variation ID: 807416). Advanced modeling of protein sequence and biophysical properties (such as structural, functional, and spatial information, amino acid conservation, physicochemical variation, residue mobility, and thermodynamic stability) has been performed at Invitae for this missense variant, however the output from this modeling did not meet the statistical confidence thresholds required to predict the impact of this variant on FA2H protein function. For these reasons, this variant has been classified as Pathogenic.

Institute of Human Genetics Munich, TUM University Hospital
Classification: Pathogenic for Hereditary spastic paraplegia 35. Last evaluated: 2019-06-07. Review status: criteria provided, single submitter. Criteria: Classification criteria August 2017. Collection method: clinical testing. Allele origin: germline. Inheritance: Autosomal recessive inheritance. Affected: yes. Observed: 1 compound heterozygote.

Literature cited by the submitters: PubMed 22965561 (cited by Labcorp Genetics (formerly Invitae), Labcorp); PubMed 31135052 (cited by Labcorp Genetics (formerly Invitae), Labcorp); PubMed 31407473 (cited by Labcorp Genetics (formerly Invitae), Labcorp); PubMed 35872528 (cited by Labcorp Genetics (formerly Invitae), Labcorp).